The following is an entry in ClinVar:

ClinVar aggregate classification (germline): Likely benign (1 of 4 stars; one submission).

Submission:

CeGaT Center for Human Genetics Tuebingen
Classification: Likely benign. Last evaluated: 2024-03-01. Review status: criteria provided, single submitter. Criteria: CeGaT Center For Human Genetics Tuebingen Variant Classification Criteria Version 2. Collection method: clinical testing. Allele origin: germline. Affected: yes. Observed: 1 variant allele.
Comment: NYNRIN: PM2:Supporting, BP4, BP7

NM_025081.3(NYNRIN):c.1297A>C (p.Arg433=)

Gene: NYNRIN (NYN domain and retroviral integrase containing; plus strand). Cytogenetic location: 14q12.
Variant type: single nucleotide variant.
Coding change: c.1297A>C on transcript NM_025081.3 (MANE Select); coding-DNA position 1297, A replaced by C.
Protein change: p.Arg433=; no amino-acid change (arginine 433 retained).
Molecular consequence: synonymous variant.
Genome position (GRCh38, 1-based): chr14:24,409,091, A>C. VCF-style: chr14-24409091-A-C. GRCh37 (hg19) VCF-style: chr14-24878297-A-C.
Identifiers: ClinVar variation 3234365 (VCV003234365.20), dbSNP rs2042893896, ClinGen allele CA485789394.